The following is an entry in ClinVar:

ClinVar aggregate classification (germline): Uncertain significance. Review status: criteria provided, multiple submitters, no conflicts (2 of 4 stars). 2 submissions from 2 submitters: Uncertain significance (2). Last evaluated 2025-08-21.

Allele frequency attached by ClinVar (database versions not stated): 1000 Genomes Project 30x 0.00062; 1000 Genomes Project 0.00080.
gnomAD v4.1: 142 of 1,613,846 alleles (0.0088%); highest among the groups gnomAD compares: South Asian, 0.12%; 4 homozygotes.

Submissions (2):

Ambry Genetics
Classification: Uncertain significance. Last evaluated: 2025-08-21. Review status: criteria provided, single submitter. Criteria: Ambry Variant Classification Scheme 2023. Collection method: clinical testing. Allele origin: germline.

Labcorp Genetics (formerly Invitae), Labcorp
Classification: Uncertain significance. Last evaluated: 2025-04-17. Review status: criteria provided, single submitter. Criteria: Invitae Variant Classification Sherloc (09022015). Collection method: clinical testing. Allele origin: germline.
Comment: This sequence change replaces aspartic acid, which is acidic and polar, with glutamic acid, which is acidic and polar, at codon 370 of the DGKZ protein (p.Asp370Glu). This variant is present in population databases (rs534767600, gnomAD 0.1%), and has an allele count higher than expected for a pathogenic variant. This variant has not been reported in the literature in individuals affected with DGKZ-related conditions. ClinVar contains an entry for this variant (Variation ID: 2044784). An algorithm developed to predict the effect of missense changes on protein structure and function (PolyPhen-2) suggests that this variant is likely to be tolerated. In summary, the available evidence is currently insufficient to determine the role of this variant in disease. Therefore, it has been classified as a Variant of Uncertain Significance.

NM_001199267.2(DGKZ):c.543C>G (p.Asp181Glu)

Genes: DGKZ (diacylglycerol kinase zeta; plus strand), LOC126861204 (CDK7 strongly-dependent group 2 enhancer GRCh37_chr11:46390736-46391935; plus strand). Cytogenetic location: 11p11.2.
Variant type: single nucleotide variant.
Coding change: c.543C>G on transcript NM_001199267.2 (MANE Select); coding-DNA position 543, C replaced by G.
Protein change: p.Asp181Glu; replaces aspartic acid 181 with glutamic acid.
Molecular consequence: missense variant. On other transcripts: intron variant (1).
Genome position (GRCh38, 1-based): chr11:46,369,985, C>G. VCF-style: chr11-46369985-C-G. GRCh37 (hg19) VCF-style: chr11-46391535-C-G.
Other names: c.1110C>G (NM_001105540.1); c.1110C>G, p.Asp370Glu (NM_001105540.2); c.546C>G, p.Asp182Glu (NM_001199266.2, NM_003646.4); c.594C>G, p.Asp198Glu (NM_201532.3); c.558C>G, p.Asp186Glu (NM_201533.3); c.501+435C>G (NM_001199268.2); short protein forms D186E, D182E, D370E, D181E, D198E.
Identifiers: ClinVar variation 2044784 (VCV002044784.5), dbSNP rs534767600, ClinGen allele CA5962482.